The following is an entry in ClinVar:

NM_001165963.4(SCN1A):c.797T>C (p.Leu266Pro)

Gene: SCN1A (sodium voltage-gated channel alpha subunit 1; minus strand). Cytogenetic location: 2q24.3.
Variant type: single nucleotide variant.
Coding change: c.797T>C on transcript NM_001165963.4 (MANE Select); coding-DNA position 797, T replaced by C.
Protein change: p.Leu266Pro; replaces leucine 266 with proline.
Molecular consequence: missense variant. On other transcripts: 5 prime UTR variant (1), non-coding transcript variant (1).
Genome position (GRCh38, 1-based): chr2:166,051,886, A>G on the plus strand (T>C on the coding strand, the complement: SCN1A is on the minus strand). VCF-style: chr2-166051886-A-G. GRCh37 (hg19) VCF-style: chr2-166908396-A-G.
Other names: c.797T>C, p.Leu266Pro (NM_001165964.3, NM_001202435.3, NM_001353948.2 and 10 more transcripts); c.-1629T>C (NM_001353961.2); short protein forms L266P.
Identifiers: ClinVar variation 576745 (VCV000576745.40), dbSNP rs1559238432, ClinGen allele CA349073317.
Genomic context (GRCh38, chr2:166,051,886, plus strand): 5'-GAAGCATTGGTGGGAGGCCATTGTATACATTTATTCCTCAGGTTGCCCATGAACAGCTGC[A>G]GCCCAATTAGAGCAAATACGCTCAGACAGAACACAGTCAGGATCATTACATCTGAGAGCT-3'
Protein context (NP_001159435.1, residues 256-276): FCLSVFALIG[Leu266Pro]QLFMGNLRNK

ClinVar aggregate classification (germline): Likely pathogenic. Review status: criteria provided, multiple submitters, no conflicts (2 of 4 stars). 2 submissions from 2 submitters: Likely pathogenic (2). Last evaluated 2022-09-01.

Conditions:
Early-infantile DEE. Also called: Ohtahara syndrome; Early infantile epileptic encephalopathy; Early infantile epileptic encephalopathy with suppression bursts. Identifiers: Orphanet 1934, MedGen C0393706, MONDO:0800491.

Submissions (2):

CeGaT Center for Human Genetics Tuebingen
Classification: Likely pathogenic. Last evaluated: 2022-09-01. Review status: criteria provided, single submitter. Criteria: CeGaT Center For Human Genetics Tuebingen Variant Classification Criteria Version 2. Collection method: clinical testing. Allele origin: germline. Affected: yes. Observed: 1 variant allele.
Comment: SCN1A: PM2, PM6, PP2, PP3, PS4:Supporting

Labcorp Genetics (formerly Invitae), Labcorp
Classification: Likely pathogenic for Early-infantile DEE. Last evaluated: 2018-06-11. Review status: criteria provided, single submitter. Criteria: Invitae Variant Classification Sherloc (09022015). Collection method: clinical testing. Allele origin: germline.
Comment: In summary, the currently available evidence indicates that the variant is pathogenic, but additional data are needed to prove that conclusively. Therefore, this variant has been classified as Likely Pathogenic. This variant identified in the SCN1A gene is located in the transmembrane D1-S5 region of the resulting protein (PMID: 25348405, 18804930), but it is unclear how this variant impacts the function of this protein. Algorithms developed to predict the effect of missense changes on protein structure and function (SIFT, PolyPhen-2, Align-GVGD) all suggest that this variant is likely to be disruptive, but these predictions have not been confirmed by published functional studies and their clinical significance is uncertain. This variant is not present in population databases (ExAC no frequency). This sequence change replaces leucine with proline at codon 266 of the SCN1A protein (p.Leu266Pro). The leucine residue is highly conserved and there is a moderate physicochemical difference between leucine and proline.

Literature cited by the submitters: PubMed 25348405 (cited by Labcorp Genetics (formerly Invitae), Labcorp); PubMed 18804930 (cited by Labcorp Genetics (formerly Invitae), Labcorp).